The following continues an entry in ClinVar:

NM_000138.5(FBN1):c.6658C>T (p.Arg2220Ter)

Gene: FBN1. ClinVar aggregate classification (germline): Pathogenic/Likely pathogenic. Pathogenic (11); Likely pathogenic (2).

Submissions 12 to 14 of 14:

ARUP Laboratories, Molecular Genetics and Genomics, ARUP Laboratories
Classification: Pathogenic. Last evaluated: 2018-08-10. Review status: criteria provided, single submitter. Criteria: ARUP Molecular Germline Variant Investigation Process. Collection method: clinical testing. Allele origin: germline.
Comment: The FBN1 c.6658C>T; p.Arg2220Ter variant (rs113001196) has been described in several individuals affected with Marfan syndrome (Attanasio 2013, Collod-Beroud 2003, Comeglio 2007, Matsukawa 2001, Ogawa 2011, Wang 2013). It is reported as pathogenic in ClinVar (Variation ID: 42407), and is absent from general population databases (1000 Genomes Project, Exome Variant Server, and Genome Aggregation Database), indicating it is not a common polymorphism. This variant induces an early termination codon and is predicted to result in a truncated protein or mRNA subject to nonsense-mediated decay. Based on available information, this variant is considered pathogenic. Pathogenic FBN1 variants are most commonly causative for Marfan syndrome (MFS); clinical manifestations are variable. Additionally, other phenotypes including neonatal Marfan syndrome, mitral valve prolapse syndrome, MASS syndrome, thoracic aortic aneurysms and aortic dissections (TAAD), Shprintzen-Goldberg syndrome, Weill-Marchesani syndrome as well as autosomal dominant ectopia lentis are also associated with FBN1 pathogenic variants. References: Attanasio M et al. Dural ectasia and FBN1 mutation screening of 40 patients with Marfan syndrome and related disorders: role of dural ectasia for the diagnosis. Eur J Med Genet. 2013 Jul;56(7):356-60. Collod-Beroud G et al. Update of the UMD-FBN1 mutation database and creation of an FBN1 polymorphism database. Hum Mutat. 2003 Sep;22(3):199-208. Comeglio P et al. The importance of mutation detection in Marfan syndrome and Marfan-related disorders: report of 193 FBN1 mutations. Hum Mutat. 2007 Sep;28(9):928. Matsukawa R et al. Eight novel mutations of the FBN1 gene found in Japanese patients with Marfan syndrome. Hum Mutat. 2001;17(1):71-2. Ogawa N et al. Evaluating Japanese patients with the Marfan syndrome using high-throughput microarray-based mutational analysis of fibrillin-1 gene. Am J Cardiol. 2011 Dec 15;108(12):1801-7. Wang WJ et al. Exon 47 skipping of fibrillin-1 leads preferentially to cardiovascular defects in patients with thoracic aortic aneurysms and dissections. J Mol Med (Berl). 2013 Jan;91(1):37-47.

Laboratory for Molecular Medicine, Mass General Brigham Personalized Medicine
Classification: Likely pathogenic for Marfan syndrome. Last evaluated: 2012-04-18. Review status: criteria provided, single submitter. Criteria: LMM Criteria. Collection method: clinical testing. Allele origin: germline. Observed: 1 variant allele.
Comment: The Arg2220X variant (FBN1) has been reported in two Japanese probands with clin ical features of Marfan syndrome and was absent in 100 control chromosomes from healthy Japanese individuals (Matsukawa 2001, Ogawa 2011). In addition, this var iant has been identified in 1/1090 chromosomes from a broad, though clinically a nd racially unspecified population (dbSNP rs113001196). This nonsense variant le ads to a premature termination codon at position 2220, which is predicted to lea d to a truncated or absent protein. Loss of function in the FBN1 gene is an est ablished disease mechanism in Marfan patients. In summary, this variant is likel y to be pathogenic, though segregation studies and functional analyses are requi red to fully establish the pathogenicity of this variant. The clinical significa nce of this sequence variant should be interpreted in the context of this indivi dual's clinical manifestation.

Center for Medical Genetics Ghent, University of Ghent
Classification: Pathogenic for Marfan syndrome. Last evaluated: 2017-11-07. Review status: no assertion criteria provided. Collection method: clinical testing. Allele origin: de novo. Affected: yes. Not counted in ClinVar's aggregate classification.

Literature cited by the submitters: PubMed 11139245 (cited by 5 submitters); PubMed 17657824 (cited by 3 submitters); PubMed 19293843 (cited by Labcorp Genetics (formerly Invitae), Labcorp); PubMed 22772377 (cited by Labcorp Genetics (formerly Invitae), Labcorp); PubMed 23684891 (cited by Labcorp Genetics (formerly Invitae), Labcorp and Women's Health and Genetics/Laboratory Corporation of America, LabCorp); PubMed 27112580 (cited by Labcorp Genetics (formerly Invitae), Labcorp and Ambry Genetics); PubMed 29357934 (cited by 4 submitters); PubMed 21907952 (cited by Ambry Genetics and Laboratory for Molecular Medicine, Mass General Brigham Personalized Medicine); PubMed 26787436 (cited by Ambry Genetics and Women's Health and Genetics/Laboratory Corporation of America, LabCorp); PubMed 29768367 (cited by Ambry Genetics); PubMed 33824467 (cited by Ambry Genetics); PubMed 35058154 (cited by Ambry Genetics); PubMed 37042257 (cited by Ambry Genetics).